The following is an entry in ClinVar:

NM_007294.4(BRCA1):c.1543G>T (p.Glu515Ter)

Gene: BRCA1 (BRCA1 DNA repair associated; minus strand). Cytogenetic location: 17q21.31.
Variant type: single nucleotide variant.
Coding change: c.1543G>T on transcript NM_007294.4 (MANE Select); coding-DNA position 1543, G replaced by T.
Protein change: p.Glu515Ter; replaces glutamic acid 515 with a stop codon.
Molecular consequence: nonsense. On other transcripts: intron variant (137).
Genome position (GRCh38, 1-based): chr17:43,093,988, C>A on the plus strand (G>T on the coding strand, the complement: BRCA1 is on the minus strand). VCF-style: chr17-43093988-C-A. GRCh37 (hg19) VCF-style: chr17-41246005-C-A.
Other names: c.520+756G>T (NM_001408504.1, NM_001408503.1, NM_001408505.1); c.643+756G>T (NM_001408463.1, NM_001408462.1, NM_001408470.1 and 3 more transcripts); c.523+756G>T (NM_001408499.1, NM_001408498.1, NM_001408501.1 and 3 more transcripts); c.670+1858G>T (NM_001408422.1, NM_001408418.1, NM_001408423.1 and 2 more transcripts); c.706+756G>T (NM_001408416.1, NM_001408413.1); c.577+756G>T (NM_001408484.1, NM_001408478.1, NM_001408514.1 and 9 more transcripts); c.661+756G>T (NM_001408450.1, NM_001408434.1, NM_001408447.1 and 6 more transcripts); c.784+756G>T (NM_001408398.1, NM_001407992.1, NM_001408400.1 and 13 more transcripts); and 40 more; short protein forms E515*, E468*, E387*, E403*, E404*, E445*, E448*, E219*.
Identifiers: ClinVar variation 254395 (VCV000254395.4), dbSNP rs886037990, ClinGen allele CA10586655.

ClinVar aggregate classification (germline): Pathogenic. Review status: reviewed by expert panel (3 of 4 stars). 2 submissions from 2 submitters: Pathogenic (1). 1 of the submissions does not count toward it. Last evaluated 2016-09-08.

Conditions:
Breast-ovarian cancer, familial, susceptibility to, 1 (BROVCA1). Also called: BRCA1 Hereditary Breast and Ovarian Cancer; OVARIAN CANCER, SUSCEPTIBILITY TO. Identifiers: Orphanet 145, MedGen C2676676, MONDO:0011450, OMIM 604370. Disease mechanism: loss of function.

Submissions (2):

Evidence-based Network for the Interpretation of Germline Mutant Alleles (ENIGMA)
Classification: Pathogenic for Breast-ovarian cancer, familial, susceptibility to, 1. Last evaluated: 2016-09-08. Review status: reviewed by expert panel. Criteria: ENIGMA BRCA1/2 Classification Criteria (2015). Collection method: curation. Allele origin: germline.
Comment: Variant allele predicted to encode a truncated non-functional protein.

BRCAlab, Lund University
Classification: Pathogenic for Breast-ovarian cancer, familial, susceptibility to, 1. Last evaluated: 2020-03-02. Review status: no assertion criteria provided. Collection method: clinical testing. Allele origin: germline. Affected: yes. Not counted in ClinVar's aggregate classification.